The following is an entry in ClinVar:

NM_000349.3(STAR):c.218del (p.Leu73fs)

Gene: STAR (steroidogenic acute regulatory protein; minus strand). Cytogenetic location: 8p11.23.
Variant type: Deletion.
Coding change: c.218del on transcript NM_000349.3 (MANE Select); coding-DNA position 218, one base deleted (T; older notation c.218delT).
Protein change: p.Leu73fs; shifts the reading frame from leucine 73.
Molecular consequence: frameshift variant.
Genome position (GRCh38, 1-based): chr8:38,148,288, A deleted on the plus strand (T on the coding strand, the reverse complement: STAR is on the minus strand). VCF-style (leftmost placement, unchanged base first): chr8-38148287-CA-C. GRCh37 (hg19) VCF-style: chr8-38005805-CA-C.
Other names: short protein forms L73fs.
Identifiers: ClinVar variation 5014324 (VCV005014324.1).

ClinVar aggregate classification (germline): Pathogenic (1 of 4 stars; one submission).

Conditions:
Congenital lipoid adrenal hyperplasia due to STAR deficency. Also called: ADRENAL HYPERPLASIA I; Cholesterol monooxygenase (side-chain cleaving) deficiency; Congenital Lipoid Adrenal Hyperplasia; Lipoid adrenal hyperplasia. Identifiers: Orphanet 418, Orphanet 90790, MedGen C0342474, MONDO:0008725, OMIM 201710.

Submission:

Myriad Genetics, Inc.
Classification: Pathogenic for Congenital lipoid adrenal hyperplasia due to STAR deficency. Last evaluated: 2025-04-12. Review status: criteria provided, single submitter. Criteria: Myriad Autosomal Dominant, Autosomal Recessive and X-Linked Classification Criteria (2023). Collection method: clinical testing. Allele origin: unknown.
Comment: NM_000349.2(STAR):c.218delT(L73Rfs*36) is expected to be pathogenic in the context of lipoid congenital adrenal hyperplasia. This variant is predicted to lead to an abnormal or absent protein product due to the creation of a premature termination codon in STAR, a gene where loss-of-function variants are known to be pathogenic. Please note: this variant was assessed in the context of healthy population screening.